The following is an entry in ClinVar:

NM_000719.7(CACNA1C):c.4100T>C (p.Ile1367Thr)

Gene: CACNA1C (calcium voltage-gated channel subunit alpha1 C; plus strand). Cytogenetic location: 12p13.33.
Variant type: single nucleotide variant.
Coding change: c.4100T>C on transcript NM_000719.7 (MANE Select); coding-DNA position 4100, T replaced by C.
Protein change: p.Ile1367Thr; replaces isoleucine 1367 with threonine.
Molecular consequence: missense variant.
Genome position (GRCh38, 1-based): chr12:2,653,860, T>C. VCF-style: chr12-2653860-T-C. GRCh37 (hg19) VCF-style: chr12-2763026-T-C.
Other names: c.4244T>C, p.Ile1415Thr (NM_001129827.2, NM_199460.4); c.4166T>C, p.Ile1389Thr (NM_001129829.2); c.4100T>C, p.Ile1367Thr (NM_001129830.3, NM_001129833.2, NM_001129834.2 and 7 more transcripts); c.4184T>C, p.Ile1395Thr (NM_001129831.2); c.4160T>C, p.Ile1387Thr (NM_001129832.2); c.4151T>C, p.Ile1384Thr (NM_001129836.2); c.4067T>C, p.Ile1356Thr (NM_001129837.2, NM_001129838.2, NM_001129846.2 and 1 more transcripts); c.4061T>C, p.Ile1354Thr (NM_001129839.2); and 1 more; short protein forms I1354T, I1356T, I1364T, I1367T, I1384T, I1387T, I1389T, I1395T.
Identifiers: ClinVar variation 2575833 (VCV002575833.4), dbSNP rs2528051488, ClinGen allele CA383373970.
Genomic context (GRCh38, chr12:2,653,860, plus strand): 5'-CCAGCCTCATGGGAGTCTCCTGCACTTCCTTCCAGGCCCTGCCCTATGTGGCCCTCCTGA[T>C]CGTGATGCTGTTCTTCATCTACGCGGTGATCGGGATGCAGGTAGGGAGGCTCCCACCACG-3'
Protein context (NP_000710.5, residues 1357-1377): FQALPYVALL[Ile1367Thr]VMLFFIYAVI

ClinVar aggregate classification (germline): Pathogenic/Likely pathogenic. Review status: criteria provided, multiple submitters, no conflicts (2 of 4 stars). 2 submissions from 2 submitters: Pathogenic (1); Likely pathogenic (1). Last evaluated 2025-06-12.

Conditions:
Long QT syndrome (LQTS). Identifiers: MedGen C0023976, MeSH D008133, MONDO:0002442. Disease mechanism: loss of function. Inheritance: Various modes of inheritance.

Submissions (2):

GeneDx
Classification: Likely pathogenic. Last evaluated: 2025-06-12. Review status: criteria provided, single submitter. Criteria: GeneDx Variant Classification Process June 2021. Collection method: clinical testing. Allele origin: germline. Affected: yes.
Comment: Not observed at significant frequency in large population cohorts (gnomAD); In silico analysis supports that this missense variant has a deleterious effect on protein structure/function; Has not been previously published as pathogenic or benign to our knowledge

Labcorp Genetics (formerly Invitae), Labcorp
Classification: Pathogenic for Long QT syndrome. Last evaluated: 2024-09-06. Review status: criteria provided, single submitter. Criteria: Invitae Variant Classification Sherloc (09022015). Collection method: clinical testing. Allele origin: germline.
Comment: This sequence change replaces isoleucine, which is neutral and non-polar, with threonine, which is neutral and polar, at codon 1367 of the CACNA1C protein (p.Ile1367Thr). This variant is not present in population databases (gnomAD no frequency). This missense change has been observed in individual(s) with CACNA1C-related conditions (internal data). In at least one individual the variant was observed to be de novo. ClinVar contains an entry for this variant (Variation ID: 2575833). Invitae Evidence Modeling of protein sequence and biophysical properties (such as structural, functional, and spatial information, amino acid conservation, physicochemical variation, residue mobility, and thermodynamic stability) indicates that this missense variant is expected to disrupt CACNA1C protein function with a positive predictive value of 95%. For these reasons, this variant has been classified as Pathogenic.